The following is an entry in ClinVar:

ClinVar aggregate classification (germline): Pathogenic (1 of 4 stars; one submission).

Conditions:
Marfan syndrome (MFS). Also called: MARFAN SYNDROME, TYPE I; Marfan syndrome type 1; Marfan's syndrome; Marfan syndrome, classic; FBN1-Related Marfan Syndrome. Identifiers: Orphanet 284963, Orphanet 558, MedGen C0024796, MONDO:0007947, OMIM 154700.
Familial thoracic aortic aneurysm and aortic dissection (TAAD). Also called: Thoracic aortic aneurysms and dissections. Identifiers: Orphanet 91387, MedGen C4707243, MONDO:0019625.

Submission:

Labcorp Genetics (formerly Invitae), Labcorp
Classification: Pathogenic for Marfan syndrome; Familial thoracic aortic aneurysm and aortic dissection. Last evaluated: 2022-10-28. Review status: criteria provided, single submitter. Criteria: Invitae Variant Classification Sherloc (09022015). Collection method: clinical testing. Allele origin: germline.
Comment: This variant is not present in population databases (gnomAD no frequency). For these reasons, this variant has been classified as Pathogenic. Algorithms developed to predict the effect of sequence changes on RNA splicing suggest that this variant may disrupt the consensus splice site. ClinVar contains an entry for this variant (Variation ID: 1523706). Disruption of this splice site has been observed in individuals with Marfan syndrome (PMID: 19159394, 25907466, 26684006). This sequence change affects an acceptor splice site in intron 25 of the FBN1 gene. It is expected to disrupt RNA splicing. Variants that disrupt the donor or acceptor splice site typically lead to a loss of protein function (PMID: 16199547), and loss-of-function variants in FBN1 are known to be pathogenic (PMID: 17657824, 19293843).

Literature cited by the submitters: PubMed 19159394; PubMed 25907466; PubMed 26684006; PubMed 16199547; PubMed 17657824; PubMed 19293843.

NM_000138.5(FBN1):c.3083-1G>T

Gene: FBN1 (fibrillin 1; minus strand). Cytogenetic location: 15q21.1.
Variant type: single nucleotide variant.
Coding change: c.3083-1G>T on transcript NM_000138.5 (MANE Select); the canonical splice acceptor site of the intron before coding-DNA position 3083, G replaced by T.
Molecular consequence: splice acceptor variant.
Genome position (GRCh38, 1-based): chr15:48,488,494, C>A on the plus strand (G>T on the coding strand, the complement: FBN1 is on the minus strand). VCF-style: chr15-48488494-C-A. GRCh37 (hg19) VCF-style: chr15-48780691-C-A.
Other names: c.3083-1G>T (NM_001406716.1).
Identifiers: ClinVar variation 1523706 (VCV001523706.8), dbSNP rs2141295345, ClinGen allele CA392328333.